The following is an entry in ClinVar:

ClinVar aggregate classification (germline): Uncertain significance (1 of 4 stars; one submission).

Submission:

Dasa
Classification: Uncertain significance. Last evaluated: 2024-12-16. Review status: criteria provided, single submitter. Criteria: DASA Assertion Criteria. Collection method: clinical testing. Allele origin: germline.
Comment: NM_032217.5(ANKRD17):c.7358C>T (p.Ser2453Leu) is a missense variant that results in the substitution of serine with leucine. This variant is rare in population databases. Computational prediction algorithms are consistent with a benign effect. The currently available literature and clinical evidence are not sufficient to establish a definitive association between this variant and the reported condition. Therefore, this variant is classified as a variant of uncertain significance.

NM_032217.5(ANKRD17):c.7358C>T (p.Ser2453Leu)

Gene: ANKRD17 (ankyrin repeat domain 17; minus strand). Cytogenetic location: 4q13.3.
Variant type: single nucleotide variant.
Coding change: c.7358C>T on transcript NM_032217.5 (MANE Select); coding-DNA position 7358, C replaced by T.
Protein change: p.Ser2453Leu; replaces serine 2453 with leucine.
Molecular consequence: missense variant.
Genome position (GRCh38, 1-based): chr4:73,078,692, G>A on the plus strand (C>T on the coding strand, the complement: ANKRD17 is on the minus strand). VCF-style: chr4-73078692-G-A. GRCh37 (hg19) VCF-style: chr4-73944409-G-A.
Other names: c.7019C>T, p.Ser2340Leu (NM_001286771.3); c.7355C>T, p.Ser2452Leu (NM_015574.2); c.6605C>T, p.Ser2202Leu (NM_198889.3); short protein forms S2202L, S2340L, S2452L, S2453L.
Identifiers: ClinVar variation 5021030 (VCV005021030.1).